The following is an entry in ClinVar:

ClinVar aggregate classification (germline): Pathogenic (1 of 4 stars; one submission).

Conditions:
Marfan syndrome (MFS). Also called: FBN1-Related Marfan Syndrome; Marfan syndrome type 1; Marfan's syndrome; Marfan syndrome, classic; MARFAN SYNDROME, TYPE I. Identifiers: Orphanet 284963, Orphanet 558, MedGen C0024796, MONDO:0007947, OMIM 154700.

Submission:

Petrovsky National Research Centre of Surgery, The Federal Agency for Scientific Organizations
Classification: Pathogenic for Marfan syndrome. Last evaluated: 2019-08-29. Review status: criteria provided, single submitter. Criteria: ACMG Guidelines, 2015. Collection method: clinical testing. Allele origin: paternal. Inheritance: Autosomal dominant inheritance. Affected: yes. Observed: 1 heterozygote.
Comment: There are three known other substitution at 921 codon (C921G, C921*, C921Y) that are associated with MFS (PMID: 12203987, 19012347, 19533785, 24941995; DOI: 10.1038/jhg.2015.10), two of which are present in HGMD (ACCESSION ID: CM022003, CM093611). This suggests that 921 codon is of a high importance. Cysteine is located at cbEGF-like domain and participates in Disulfide bonds 921-935. Substitutions of the Cysteine residues in EGF domains are a common pathogenic mechanisms of Marfan Syndrome (PMID: 1301946, 15161917). Additionally, computational resources like Provean, SIFT, PolyPhen2 and MutationTaster show deleterious effect. Based on this evidences the Cys921Arg variant is classified as pathogenic.

NM_000138.5(FBN1):c.2761T>C (p.Cys921Arg)

Gene: FBN1 (fibrillin 1; minus strand). Cytogenetic location: 15q21.1.
Variant type: single nucleotide variant.
Coding change: c.2761T>C on transcript NM_000138.5 (MANE Select); coding-DNA position 2761, T replaced by C.
Protein change: p.Cys921Arg; replaces cysteine 921 with arginine.
Molecular consequence: missense variant.
Genome position (GRCh38, 1-based): chr15:48,492,554, A>G on the plus strand (T>C on the coding strand, the complement: FBN1 is on the minus strand). VCF-style: chr15-48492554-A-G. GRCh37 (hg19) VCF-style: chr15-48784751-A-G.
Other names: short protein forms C921R.
Identifiers: ClinVar variation 638643 (VCV000638643.4), dbSNP rs1597567249, ClinGen allele CA392330790.